The following is an entry in ClinVar:

NM_004036.5(ADCY3):c.3016G>A (p.Glu1006Lys)

Genes: ADCY3 (adenylate cyclase 3; minus strand), CENPO (centromere protein O; plus strand). Cytogenetic location: 2p23.3.
Variant type: single nucleotide variant.
Coding change: c.3016G>A on transcript NM_004036.5 (MANE Select); coding-DNA position 3016, G replaced by A.
Protein change: p.Glu1006Lys; replaces glutamic acid 1006 with lysine.
Molecular consequence: missense variant. On other transcripts: 3 prime UTR variant (3), non-coding transcript variant (3).
Genome position (GRCh38, 1-based): chr2:24,821,628, C>T on the plus strand (G>A on the coding strand, the complement: ADCY3 is on the minus strand). VCF-style: chr2-24821628-C-T. GRCh37 (hg19) VCF-style: chr2-25044497-C-T.
Other names: c.3019G>A, p.Glu1007Lys (NM_001320613.2); c.3082G>A, p.Glu1028Lys (NM_001377128.1); c.2878G>A, p.Glu960Lys (NM_001377129.1); c.2464G>A, p.Glu822Lys (NM_001377130.1); c.2293G>A, p.Glu765Lys (NM_001377131.1); c.3016G>A, p.Glu1006Lys (NM_001377132.1); c.*2310C>T (NM_001199803.3, NM_001322101.2, NM_024322.4); short protein forms E1006K, E1007K, E1028K, E765K, E822K, E960K.
Identifiers: ClinVar variation 3350686 (VCV003350686.1).

ClinVar aggregate classification (germline): Uncertain significance (0 of 4 stars; one submission).

Conditions:
ADCY3-related disorder. Also called: ADCY3-related condition.

gnomAD v4.1: 17 of 1,614,044 alleles (0.0011%); highest among the groups gnomAD compares: East Asian, 0.0022%; no homozygotes.

Submission:

PreventionGenetics, part of Exact Sciences
Classification: Uncertain significance for ADCY3-related condition. Last evaluated: 2024-06-21. Review status: no assertion criteria provided. Collection method: clinical testing. Allele origin: germline.
Comment: The ADCY3 c.3019G>A variant is predicted to result in the amino acid substitution p.Glu1007Lys. To our knowledge, this variant has not been reported in the literature. This variant is reported in 0.011% of alleles in individuals of East Asian descent in gnomAD. At this time, the clinical significance of this variant is uncertain due to the absence of conclusive functional and genetic evidence.